The following is an entry in ClinVar:

NM_006915.3(RP2):c.601A>G (p.Ile201Val)

Gene: RP2 (RP2 activator of ARL3 GTPase; plus strand). Cytogenetic location: Xp11.3.
Variant type: single nucleotide variant.
Coding change: c.601A>G on transcript NM_006915.3 (MANE Select); coding-DNA position 601, A replaced by G.
Protein change: p.Ile201Val; replaces isoleucine 201 with valine.
Molecular consequence: missense variant.
Genome position (GRCh38, 1-based): chrX:46,853,974, A>G. VCF-style: chrX-46853974-A-G. GRCh37 (hg19) VCF-style: chrX-46713409-A-G.
Other names: short protein forms I201V.
Identifiers: ClinVar variation 368307 (VCV000368307.16), dbSNP rs149503319, ClinGen allele CA10394220.
Genomic context (GRCh38, chrX:46,853,974, plus strand): 5'-TCAGGAGAACTCAACTGGAGCCTTCTTCCAGAAGATGCTGTGGTTCAGGACTATGTTCCT[A>G]TACCTACTACCGAAGAGCTCAAAGCTGTTCGTGTTTCCACAGAAGCCAATAGAAGCATTG-3'
Protein context (NP_008846.2, residues 191-211): EDAVVQDYVP[Ile201Val]PTTEELKAVR

ClinVar aggregate classification (germline): Benign. Review status: criteria provided, multiple submitters, no conflicts (2 of 4 stars). 3 submissions from 3 submitters: Benign (3). Last evaluated 2026-01-28.

Conditions:
Retinitis pigmentosa (RP). Identifiers: Orphanet 791, MedGen C0035334, MeSH D012174, MONDO:0019200, OMIM 268000. Inheritance: Autosomal dominant, autosomal recessive and X linked inheritance.

Allele frequency attached by ClinVar (database versions not stated): gnomAD exomes 0.00085; ExAC 0.00118; 1000 Genomes Project 0.00265; gnomAD 0.00287 and 0.00307; 1000 Genomes Project 30x 0.00291; TOPMed 0.00328; ESP Exome Variant Server 0.00483.
gnomAD v4.1: 643 of 1,210,213 alleles (0.053%); highest among the groups gnomAD compares: African/African-American, 1%; 2 homozygotes.

Submissions (3):

Labcorp Genetics (formerly Invitae), Labcorp
Classification: Benign. Last evaluated: 2026-01-28. Review status: criteria provided, single submitter. Criteria: Invitae Variant Classification Sherloc (09022015). Collection method: clinical testing. Allele origin: germline.

Blueprint Genetics
Classification: Benign. Last evaluated: 2024-06-11. Review status: criteria provided, single submitter. Criteria: ACMG Guidelines, 2015. Collection method: clinical testing. Allele origin: germline.

Illumina Laboratory Services, Illumina
Classification: Benign for Retinitis pigmentosa. Last evaluated: 2018-01-12. Review status: criteria provided, single submitter. Criteria: ICSL Variant Classification Criteria 13 December 2019. Collection method: clinical testing. Allele origin: germline.
Comment: This variant was observed in the ICSL laboratory as part of a predisposition screen in an ostensibly healthy population. It had not been previously curated by ICSL or reported in the Human Gene Mutation Database (HGMD: prior to June 1st, 2018), and was therefore a candidate for classification through an automated scoring system. Utilizing variant allele frequency, disease prevalence and penetrance estimates, and inheritance mode, an automated score was calculated to assess if this variant is too frequent to cause the disease. Based on the score and internal cut-off values, a variant classified as benign is not then subjected to further curation. The score for this variant resulted in a classification of benign for this disease.